The following is an entry in ClinVar:

NM_001364171.2(ODAD1):c.413C>A (p.Pro138Gln)

Gene: ODAD1 (outer dynein arm docking complex subunit 1; minus strand). Cytogenetic location: 19q13.33.
Variant type: single nucleotide variant.
Coding change: c.413C>A on transcript NM_001364171.2 (MANE Select); coding-DNA position 413, C replaced by A.
Protein change: p.Pro138Gln; replaces proline 138 with glutamine.
Molecular consequence: missense variant.
Genome position (GRCh38, 1-based): chr19:48,312,064, G>T on the plus strand (C>A on the coding strand, the complement: ODAD1 is on the minus strand). VCF-style: chr19-48312064-G-T. GRCh37 (hg19) VCF-style: chr19-48815321-G-T.
Other names: c.302C>A, p.Pro101Gln (NM_144577.4); short protein forms P101Q, P138Q.
Identifiers: ClinVar variation 3409742 (VCV003409742.1).

ClinVar aggregate classification (germline): Uncertain significance (1 of 4 stars; one submission).

Conditions:
Primary ciliary dyskinesia. Also called: Ciliary dyskinesia. Identifiers: Orphanet 244, MedGen C0008780, MONDO:0016575, HP:0012265.

Submission:

Ambry Genetics
Classification: Uncertain significance for Primary ciliary dyskinesia. Last evaluated: 2024-07-06. Review status: criteria provided, single submitter. Criteria: Ambry Variant Classification Scheme 2023. Collection method: clinical testing. Allele origin: germline.
Comment: The p.P101Q variant (also known as c.302C>A), located in coding exon 3 of the CCDC114 gene, results from a C to A substitution at nucleotide position 302. The proline at codon 101 is replaced by glutamine, an amino acid with similar properties. This amino acid position is conserved. In addition, this alteration is predicted to be tolerated by in silico analysis. Based on the available evidence, the clinical significance of this variant remains unclear.